The following is an entry in ClinVar:

NM_001367873.1(SOX6):c.2161A>T (p.Met721Leu)

Gene: SOX6 (SRY-box transcription factor 6; minus strand). Cytogenetic location: 11p15.2.
Variant type: single nucleotide variant.
Coding change: c.2161A>T on transcript NM_001367873.1 (MANE Select); coding-DNA position 2161, A replaced by T.
Protein change: p.Met721Leu; replaces methionine 721 with leucine.
Molecular consequence: missense variant.
Genome position (GRCh38, 1-based): chr11:15,986,226, T>A on the plus strand (A>T on the coding strand, the complement: SOX6 is on the minus strand). VCF-style: chr11-15986226-T-A. GRCh37 (hg19) VCF-style: chr11-16007772-T-A.
Other names: c.2080A>T, p.Met694Leu (NM_001145811.2, NM_017508.3); c.2161A>T, p.Met721Leu (NM_001145819.2); c.2038A>T, p.Met680Leu (NM_001367872.1); c.2101A>T, p.Met701Leu (NM_033326.3); short protein forms M680L, M694L, M701L, M721L.
Identifiers: ClinVar variation 4879242 (VCV004879242.1).

ClinVar aggregate classification (germline): Uncertain significance (1 of 4 stars; one submission).

Conditions:
Tolchin-Le Caignec syndrome. Also called: INTELLECTUAL DEVELOPMENTAL DISORDER WITH BEHAVIORAL ABNORMALITIES AND VARIABLE BONE DEFECTS. Identifiers: MedGen C5436509, MONDO:0033544, OMIM 618971.

gnomAD v4.1: 20 of 1,614,112 alleles (0.0012%); highest among the groups gnomAD compares: Non-Finnish European, 0.0016%; no homozygotes.

Submission:

Clinical Genomics Laboratory, Washington University in St. Louis
Classification: Uncertain significance for Tolchin-Le Caignec syndrome. Last evaluated: 2026-03-01. Review status: criteria provided, single submitter. Criteria: ACMG Guidelines, 2015. Collection method: clinical testing. Allele origin: germline.
Comment: The SOX6 c.2161A>T (p.Met721Leu) variant, to our knowledge, has not been reported in the medical literature. This variant is absent from the general population (gnomAD v2.1.1), indicating it is not a common variant. Computational predictors suggest that the variant does not impact SOX6 function. This variant resides outside the HMG domain, amino acids 600-675, of SOX6 that is defined as a critical functional domain (Tolchin D et al., PMID: 32442410; Wegner M. PMID: 10037800) but is within a region predicted to be intolerant to variation (MetaDome). Due to limited information, and based on ACMG/AMP guidelines for variant interpretation (Richards S et al., PMID: 25741868), the clinical significance of this variant is uncertain at this time.